The following is an entry in ClinVar:

NM_001458.5(FLNC):c.3256G>A (p.Asp1086Asn)

Gene: FLNC (filamin C; plus strand). Cytogenetic location: 7q32.1.
Variant type: single nucleotide variant.
Coding change: c.3256G>A on transcript NM_001458.5 (MANE Select); coding-DNA position 3256, G replaced by A.
Protein change: p.Asp1086Asn; replaces aspartic acid 1086 with asparagine.
Molecular consequence: missense variant.
Genome position (GRCh38, 1-based): chr7:128,844,721, G>A. VCF-style: chr7-128844721-G-A. GRCh37 (hg19) VCF-style: chr7-128484775-G-A.
Other names: c.3256G>A, p.Asp1086Asn (NM_001127487.2); short protein forms D1086N.
Identifiers: ClinVar variation 1011670 (VCV001011670.8), dbSNP rs369398096, ClinGen allele CA166178308.
Genomic context (GRCh38, chr7:128,844,721, plus strand): 5'-TGTGCTTATGGCCCGGGTCTCAAGGGTGGACTGGTAGGCACCCCCGCGCCATTCTCCATC[G>A]ACACCAAGGGGGCTGGCACAGGTGGCCTGGGGCTGACCGTAGAGGGCCCCTGCGAGGCCA-3'
Protein context (NP_001449.3, residues 1076-1096): LVGTPAPFSI[Asp1086Asn]TKGAGTGGLG

ClinVar aggregate classification (germline): Uncertain significance (1 of 4 stars; one submission).

Conditions:
Dilated Cardiomyopathy, Dominant.
Hypertrophic cardiomyopathy 26. Also called: Cardiomyopathy, familial hypertrophic, 26. Identifiers: Orphanet 75249, MedGen C4310749, MONDO:0014883, OMIM 617047.
Distal myopathy with posterior leg and anterior hand involvement. Also called: WILLIAMS DISTAL MYOPATHY. Identifiers: Orphanet 63273, MedGen C3279722, MONDO:0013550, OMIM 614065.
Myofibrillar myopathy 5. Also called: FILAMINOPATHY, AUTOSOMAL DOMINANT; Filaminopathy (type). Identifiers: Orphanet 171445, MedGen C1836050, MONDO:0012289, OMIM 609524.

Allele frequency attached by ClinVar (database versions not stated): gnomAD exomes 0.00001.
gnomAD v4.1: 4 of 1,613,782 alleles (0.00025%); highest among the groups gnomAD compares: Admixed American, 0.0017%; no homozygotes.

Submission:

Labcorp Genetics (formerly Invitae), Labcorp
Classification: Uncertain significance for Distal myopathy with posterior leg and anterior hand involvement; Myofibrillar myopathy 5; Hypertrophic cardiomyopathy 26. Last evaluated: 2023-09-30. Review status: criteria provided, single submitter. Criteria: Invitae Variant Classification Sherloc (09022015). Collection method: clinical testing. Allele origin: germline.
Comment: This sequence change replaces aspartic acid, which is acidic and polar, with asparagine, which is neutral and polar, at codon 1086 of the FLNC protein (p.Asp1086Asn). This variant is not present in population databases (gnomAD no frequency). This variant has not been reported in the literature in individuals affected with FLNC-related conditions. ClinVar contains an entry for this variant (Variation ID: 1011670). Advanced modeling of protein sequence and biophysical properties (such as structural, functional, and spatial information, amino acid conservation, physicochemical variation, residue mobility, and thermodynamic stability) has been performed at Invitae for this missense variant, however the output from this modeling did not meet the statistical confidence thresholds required to predict the impact of this variant on FLNC protein function. In summary, the available evidence is currently insufficient to determine the role of this variant in disease. Therefore, it has been classified as a Variant of Uncertain Significance.